The following is an entry in ClinVar:

ClinVar aggregate classification (germline): Uncertain significance (1 of 4 stars; one submission).

Conditions:
Hereditary cancer-predisposing syndrome. Also called: Hereditary Cancer Syndrome; Hereditary neoplastic syndrome; Neoplastic Syndromes, Hereditary; Tumor predisposition. Identifiers: Orphanet 140162, MedGen C0027672, MeSH D009386, MONDO:0015356.

Submission:

Sema4
Classification: Uncertain significance for Hereditary cancer-predisposing syndrome. Last evaluated: 2021-09-09. Review status: criteria provided, single submitter. Criteria: Sema4 Curation Guidelines. Collection method: curation. Allele origin: germline.
Comment: The DICER1 c.4850T>G (p.L1617R) variant has not been reported in the literature to our knowledge. This variant is not reported in the population database Genome Aggregation Database (PMID: 32461654) nor in ClinVar. Functional studies have not been performed, and in silico predictions of the variant's effect on protein function are inconclusive. The evidence is insufficient to meet ACMG/AMP criteria for classifying the variant as benign or pathogenic. Thus, the clinical significance of this variant is currently uncertain.

NM_177438.3(DICER1):c.4850T>G (p.Leu1617Arg)

Gene: DICER1 (dicer 1, ribonuclease III; minus strand). Cytogenetic location: 14q32.13.
Variant type: single nucleotide variant.
Coding change: c.4850T>G on transcript NM_177438.3 (MANE Select); coding-DNA position 4850, T replaced by G.
Protein change: p.Leu1617Arg; replaces leucine 1617 with arginine.
Molecular consequence: missense variant. On other transcripts: non-coding transcript variant (6).
Genome position (GRCh38, 1-based): chr14:95,096,070, A>C on the plus strand (T>G on the coding strand, the complement: DICER1 is on the minus strand). VCF-style: chr14-95096070-A-C. GRCh37 (hg19) VCF-style: chr14-95562407-A-C.
Other names: c.4850T>G, p.Leu1617Arg (NM_001195573.1, NM_001271282.3, NM_001291628.2 and 12 more transcripts); c.4568T>G, p.Leu1523Arg (NM_001395686.1); c.4445T>G, p.Leu1482Arg (NM_001395687.1, NM_001395688.1, NM_001395689.1 and 2 more transcripts); c.4283T>G, p.Leu1428Arg (NM_001395691.1); c.3167T>G, p.Leu1056Arg (NM_001395697.1); short protein forms L1056R, L1428R, L1482R, L1523R, L1617R.
Identifiers: ClinVar variation 1692093 (VCV001692093.1), dbSNP rs1555367614, ClinGen allele CA390866747.